The following is an entry in ClinVar:

ClinVar aggregate classification (germline): not provided (0 of 4 stars; one submission).

Conditions:
Severe myoclonic epilepsy in infancy (DRVT). Also called: SEVERE MYOCLONIC EPILEPSY OF INFANCY; DEVELOPMENTAL AND EPILEPTIC ENCEPHALOPATHY 6A; Severe Myoclonic Epilepsy in Infancy (SMEI); Dravet syndrome; Epileptic encephalopathy, early infantile, 6 (Dravet syndrome). Identifiers: Orphanet 33069, MedGen C0751122, MONDO:0100135, OMIM 607208.

Submissions (2):

Channelopathy-Associated Epilepsy Research Center
No classification provided (evidence only). Condition: Severe myoclonic epilepsy in infancy. Review status: no classification provided. Collection method: literature only. Allele origin: not applicable. Functional consequence: Moderate decrease in peak current, Moderate hyperpolarizing shift of voltage dependence of activation, Severe hyperpolarizing shift of voltage dependence of fast inactivation, Overall loss-of-function. Not counted in ClinVar's aggregate classification.
ClinVar note: "not provided" was previously submitted as the classification for the variant. However, the classification appeared to be based only on an observation of functional data so it was converted to no classification on 2025-07-30.

UniProtKB/Swiss-Prot
No classification provided. Condition: Severe myoclonic epilepsy in infancy. Review status: no classification provided. Collection method: not provided. Allele origin: germline.

Literature cited by the submitters: PubMed 22525008 (cited by Channelopathy-Associated Epilepsy Research Center).

NM_001165963.4(SCN1A):c.5054C>A (p.Ala1685Asp)

Genes: SCN1A (sodium voltage-gated channel alpha subunit 1; minus strand), LOC102724058 (uncharacterized LOC102724058; plus strand). Cytogenetic location: 2q24.3.
Variant type: single nucleotide variant.
Coding change: c.5054C>A on transcript NM_001165963.4 (MANE Select); coding-DNA position 5054, C replaced by A.
Protein change: p.Ala1685Asp; replaces alanine 1685 with aspartic acid.
Molecular consequence: missense variant. On other transcripts: non-coding transcript variant (1).
Genome position (GRCh38, 1-based): chr2:165,992,221, G>T on the plus strand (C>A on the coding strand, the complement: SCN1A is on the minus strand). VCF-style: chr2-165992221-G-T. GRCh37 (hg19) VCF-style: chr2-166848731-G-T.
Other names: c.4970C>A, p.Ala1657Asp (NM_001165964.3, NM_001353957.2, NM_001353958.2); c.5054C>A, p.Ala1685Asp (NM_001202435.3, NM_001353948.2); c.5021C>A, p.Ala1674Asp (NM_001353949.2, NM_001353950.2, NM_001353951.2 and 2 more transcripts); c.5018C>A, p.Ala1673Asp (NM_001353954.2, NM_001353955.2); c.4967C>A, p.Ala1656Asp (NM_001353960.2); c.2612C>A, p.Ala871Asp (NM_001353961.2); short protein forms A1674D, A1685D, A1673D, A1656D, A1657D, A871D.
Identifiers: ClinVar variation 68647 (VCV000068647.3), dbSNP rs121918744, ClinGen allele CA285204.
Genomic context (GRCh38, chr2:165,992,221, plus strand): 5'-AACATGTCATCGATCCCAACTTCCCTCTTAACATAGGCAAAGTTGGACATCCCAAAGATG[G>T]CGTAGATGAACATGACTAGGAAGAGTAGGAGGCCGATGTTAAACAACGCAGGAAGGGACA-3'
Protein context (NP_001159435.1, residues 1675-1695): LLLFLVMFIY[Ala1685Asp]IFGMSNFAYV